The following continues an entry in ClinVar:

NM_000059.4(BRCA2):c.9292T>C (p.Tyr3098His)

Gene: BRCA2. ClinVar aggregate classification (germline): Benign. Benign (1).

Submissions 21 to 29 of 29:

Ambry Genetics
Classification: Benign for Hereditary cancer-predisposing syndrome. Last evaluated: 2014-11-19. Review status: criteria provided, single submitter. Criteria: Ambry Variant Classification Scheme 2023. Collection method: clinical testing. Allele origin: germline. Not counted in ClinVar's aggregate classification.

Molecular Genetics Laboratory, University of Michigan
Classification: Benign for Breast-ovarian cancer, familial, susceptibility to, 2. Last evaluated: 2014-11-03. Review status: criteria provided, single submitter. Criteria: ACMG Guidelines, 2015. Collection method: clinical testing. Allele origin: germline. Affected: yes. Not counted in ClinVar's aggregate classification.

Counsyl
Classification: Likely benign for Breast-ovarian cancer, familial 2. Last evaluated: 2014-08-20. Review status: no assertion criteria provided. Collection method: literature only. Allele origin: unknown. Inheritance: Autosomal dominant inheritance. Not counted in ClinVar's aggregate classification.

ITMI
No classification provided. Condition: AllHighlyPenetrant. Last evaluated: 2013-09-19. Review status: no classification provided. Collection method: reference population. Allele origin: germline. Not counted in ClinVar's aggregate classification.
Comment: Please see associated publication for description of ethnicities

Sharing Clinical Reports Project (SCRP)
Classification: Benign for Breast-ovarian cancer, familial 2. Last evaluated: 2008-09-05. Review status: no assertion criteria provided. Collection method: clinical testing. Allele origin: germline. Not counted in ClinVar's aggregate classification.

Breast Cancer Information Core (BIC) (BRCA2)
Classification: Uncertain significance for Breast-ovarian cancer, familial 2. Last evaluated: 2002-05-29. Review status: no assertion criteria provided. Collection method: clinical testing. Allele origin: germline, unknown. Affected: yes. Observed: 33 variant alleles. Not counted in ClinVar's aggregate classification.

Clinical Genetics Laboratory, Department of Pathology, Netherlands Cancer Institute
Classification: Benign. Review status: no assertion criteria provided. Collection method: clinical testing. Allele origin: germline. Affected: yes. Study: VKGL Data-share Consensus. Not counted in ClinVar's aggregate classification.

Department of Pathology and Laboratory Medicine, Sinai Health System
Classification: Benign for Malignant tumor of breast. Review status: no assertion criteria provided. Collection method: clinical testing. Allele origin: unknown. Affected: yes. Study: The Canadian Open Genetics Repository (COGR). Not counted in ClinVar's aggregate classification.
Comment: The BRCA2, p.Tyr3098His variant was identified in 6 of 5110 proband chromosomes (frequency: 0.001) from individuals or families with breast, ovarian and prostate cancer (Borg 2010, Edwards 2003, Gayther 1999, Serova-Sinilnikova 1997). The variant was also identified in dbSNP (ID: rs41293521) as â€šÃ„Ãºotherâ€šÃ„Ã¹, Clinvitae database (classified as benign by ClinVar and Invitae; uncertain significance by ClinVar), ARUP Laboratories BRCA Mutations Database (classified as not pathogenic), the ClinVar database (classified as benign by ENIGMA, MMGLUM, Invitae, Ambry Genetics, SCRP; likely benign by CHEO, GeneDx, Consyl; uncertain significance by BIC), GeneInsight COGR database (classified as benign, likely benign or uncertain significance by a clinical laboratories), the BIC database (33x with unknown clinical importance). This variant was identified in the 1000 Genomes Project in 2 of 5000 chromosomes (frequency: 0.0004), the Exome Aggregation Consortium database (August 8th 2016) in 31 of 117284 chromosomes (freq. 0.0003) in the following populations: Latino in 15 of 11252 chromosomes (freq. 0.001), European in 15 of 93796 chromosomes (freq. 0.0002), African in 1 of 10290 chromosomes (freq. 0.0001), but was not seen in Asian, Finnish and other populations. In UMD the variant was identified with a co-occurring pathogenic BRCA1 and BRCA2 variants (c.3841C>T (p.Gln1281X), c.1953dup (p.Lys652GlufsX21); c.6405_6409delCTTAA (p.Asn2135LysfsX3)), increasing the likelihood that the p.Tyr3098His variant does not have clinical significance. The variant was also identified by our laboratory in two individuals with breast cancer. The p.Tyr3098 residue is not conserved in mammals and computational analyses (PolyPhen-2, SIFT, AlignGVGD, BLOSUM, MutationTaster) do not suggest a high likelihood of impact to the protein; however, this information is not predictive enough to rule out pathogenicity. The variant occurs outside of the splicing consensus sequence and in silico or computational prediction software programs (SpliceSiteFinder, MaxEntScan, NNSPLICE, GeneSplicer, HumanSpliceFinder) do not predict a difference in splicing. In addition, several functional studies classified this variant as class 1 (IARC) with probability of being deleterious 1.07âˆšÃ³10â€šÃ Ã­5 (Guidugli 2013, Lindor 2012). In summary, based on the above information, this variant meets our laboratory's criteria to be classified as benign.

Laboratory of Diagnostic Genome Analysis, Leiden University Medical Center (LUMC)
Classification: Benign. Review status: no assertion criteria provided. Collection method: clinical testing. Allele origin: germline. Affected: yes. Study: VKGL Data-share Consensus. Not counted in ClinVar's aggregate classification.

Literature cited by the submitters: PubMed 23108138 (cited by Evidence-based Network for the Interpretation of Germline Mutant Alleles (ENIGMA)); PubMed 24323938 (cited by Mayo Clinic Laboratories, Mayo Clinic and Counsyl); PubMed 29988080 (cited by Mayo Clinic Laboratories, Mayo Clinic); PubMed 32444794 (cited by Mayo Clinic Laboratories, Mayo Clinic); PubMed 35736817 (cited by Mayo Clinic Laboratories, Mayo Clinic); PubMed 19043619 (cited by Counsyl); PubMed 17924331 (cited by Counsyl); PubMed 12474142 (cited by Counsyl); PubMed 21965345 (cited by Counsyl); PubMed 15026808 (cited by Counsyl); PubMed 10486320 (cited by Counsyl); PubMed 21990134 (cited by Counsyl); PubMed 9150172 (cited by Counsyl); PubMed 21702907 (cited by Counsyl); PubMed 24728327 (cited by Counsyl and ITMI); PubMed 21520273 (cited by Counsyl).